The following is an entry in ClinVar:

NM_000843.4(GRM6):c.1973G>C (p.Gly658Ala)

Genes: GRM6 (glutamate metabotropic receptor 6; minus strand), ZNF454 (zinc finger protein 454; plus strand). Cytogenetic location: 5q35.3.
Variant type: single nucleotide variant.
Coding change: c.1973G>C on transcript NM_000843.4 (MANE Select); coding-DNA position 1973, G replaced by C.
Protein change: p.Gly658Ala; replaces glycine 658 with alanine.
Molecular consequence: missense variant.
Genome position (GRCh38, 1-based): chr5:178,986,281, C>G on the plus strand (G>C on the coding strand, the complement: GRM6 is on the minus strand). VCF-style: chr5-178986281-C-G. GRCh37 (hg19) VCF-style: chr5-178413282-C-G.
Other names: short protein forms G658A.
Identifiers: ClinVar variation 1487516 (VCV001487516.8), dbSNP rs1760544103, ClinGen allele CA362425849.

ClinVar aggregate classification (germline): Uncertain significance (1 of 4 stars; one submission).

Submission:

Labcorp Genetics (formerly Invitae), Labcorp
Classification: Uncertain significance. Last evaluated: 2022-06-13. Review status: criteria provided, single submitter. Criteria: Invitae Variant Classification Sherloc (09022015). Collection method: clinical testing. Allele origin: germline.
Comment: In summary, the available evidence is currently insufficient to determine the role of this variant in disease. Therefore, it has been classified as a Variant of Uncertain Significance. This variant is not present in population databases (gnomAD no frequency). Advanced modeling of protein sequence and biophysical properties (such as structural, functional, and spatial information, amino acid conservation, physicochemical variation, residue mobility, and thermodynamic stability) performed at Invitae indicates that this missense variant is expected to disrupt GRM6 protein function. This variant has not been reported in the literature in individuals affected with GRM6-related conditions. This sequence change replaces glycine, which is neutral and non-polar, with alanine, which is neutral and non-polar, at codon 658 of the GRM6 protein (p.Gly658Ala).